The following is an entry in ClinVar:

ClinVar aggregate classification (germline): Uncertain significance (1 of 4 stars; one submission).

gnomAD v4.1: 5 of 1,613,006 alleles (0.00031%); highest among the groups gnomAD compares: South Asian, 0.0011%; no homozygotes.

Submission:

Ambry Genetics
Classification: Uncertain significance. Last evaluated: 2026-08-23. Review status: criteria provided, single submitter. Criteria: Ambry Variant Classification Scheme 2023. Collection method: clinical testing. Allele origin: germline.
Comment: The p.D718N variant (also known as c.2152G>A), located in coding exon 4 of the CDK12 gene, results from a G to A substitution at nucleotide position 2152. The aspartic acid at codon 718 is replaced by asparagine, an amino acid with highly similar properties. This amino acid position is conserved. In addition, this alteration is predicted to be tolerated by in silico analysis. Based on the available evidence, the clinical significance of this variant remains unclear.

NM_016507.4(CDK12):c.2152G>A (p.Asp718Asn)

Gene: CDK12 (cyclin dependent kinase 12; plus strand). Cytogenetic location: 17q12.
Variant type: single nucleotide variant.
Coding change: c.2152G>A on transcript NM_016507.4 (MANE Select); coding-DNA position 2152, G replaced by A.
Protein change: p.Asp718Asn; replaces aspartic acid 718 with asparagine.
Molecular consequence: missense variant.
Genome position (GRCh38, 1-based): chr17:39,492,794, G>A. VCF-style: chr17-39492794-G-A. GRCh37 (hg19) VCF-style: chr17-37649047-G-A.
Other names: c.2152G>A, p.Asp718Asn (NM_015083.4); short protein forms D718N.
Identifiers: ClinVar variation 5034164 (VCV005034164.1).
Genomic context (GRCh38, chr17:39,492,794, plus strand): 5'-TTGTTTTTACTTTTTAGAATTTGTTGTCCTCGTTATGGAGAAAGAAGACAAACAGAAAGC[G>A]ACTGGGGGAAACGCTGTGTGGACAAGTTTGACATTATTGGGATTATTGGAGAAGGAACCT-3'
Protein context (NP_057591.2, residues 708-728): RYGERRQTES[Asp718Asn]WGKRCVDKFD